The following is an entry in ClinVar:

NM_001927.4(DES):c.1023+14C>T

Gene: DES (desmin; plus strand). Cytogenetic location: 2q35.
Variant type: single nucleotide variant.
Coding change: c.1023+14C>T on transcript NM_001927.4 (MANE Select); 14 bases into the intron after coding-DNA position 1023, C replaced by T.
Molecular consequence: intron variant.
Genome position (GRCh38, 1-based): chr2:219,420,967, C>T. VCF-style: chr2-219420967-C-T. GRCh37 (hg19) VCF-style: chr2-220285689-C-T.
Other names: c.1023+14C>T (LRG_380t1).
Identifiers: ClinVar variation 513778 (VCV000513778.5), dbSNP rs899305731, ClinGen allele CA65983109.
Genomic context (GRCh38, chr2:219,420,967, plus strand): 5'-ACCAGATCCAGTCCTACACCTGCGAGATTGACGCCCTGAAGGGCACTGTGAGTCCCTGCC[C>T]ACCTGGCCAGGCCCTGCCCCTTCCTGTCTGCAGTTCACACCCTCACTTTGTGACCTTGGG-3'

ClinVar aggregate classification (germline): Likely benign. Review status: criteria provided, multiple submitters, no conflicts (2 of 4 stars). 3 submissions from 3 submitters: Likely benign (3). Last evaluated 2025-12-23.

Conditions:
Desmin-related myofibrillar myopathy (MFM1). Also called: MYOFIBRILLAR MYOPATHY WITH ARRHYTHMOGENIC RIGHT VENTRICULAR CARDIOMYOPATHY; DESMIN-RELATED MYOPATHY WITH ARRHYTHMOGENIC RIGHT VENTRICULAR CARDIOMYOPATHY; Myofibrillar myopathy 1; Desminopathy; Desmin related myopathy (former name); Desmin storage myopathy (former name). Identifiers: Orphanet 363543, Orphanet 98909, MedGen C1832370, MONDO:0011076, OMIM 601419.

Allele frequency attached by ClinVar (database versions not stated): gnomAD exomes below 0.00001; gnomAD 0.00001; TOPMed 0.00002.
gnomAD v4.1: 23 of 1,611,996 alleles (0.0014%); highest among the groups gnomAD compares: African/African-American, 0.0027%; no homozygotes.

Submissions (3):

Labcorp Genetics (formerly Invitae), Labcorp
Classification: Likely benign for Desmin-related myofibrillar myopathy. Last evaluated: 2025-12-23. Review status: criteria provided, single submitter. Criteria: Invitae Variant Classification Sherloc (09022015). Collection method: clinical testing. Allele origin: germline.

ARUP Laboratories, Molecular Genetics and Genomics, ARUP Laboratories
Classification: Likely benign. Last evaluated: 2024-12-09. Review status: criteria provided, single submitter. Criteria: ARUP Molecular Germline Variant Investigation Process 2024. Collection method: clinical testing. Allele origin: germline.

GeneDx
Classification: Likely benign. Last evaluated: 2017-12-01. Review status: criteria provided, single submitter. Criteria: GeneDx Variant Classification (06012015). Collection method: clinical testing. Allele origin: germline. Affected: yes.
Comment: This variant is considered likely benign or benign based on one or more of the following criteria: it is a conservative change, it occurs at a poorly conserved position in the protein, it is predicted to be benign by multiple in silico algorithms, and/or has population frequency not consistent with disease.